The following is an entry in ClinVar:

NM_001211.6(BUB1B):c.2506C>T (p.His836Tyr)

Gene: BUB1B (BUB1 mitotic checkpoint serine/threonine kinase B; plus strand). Cytogenetic location: 15q15.1.
Variant type: single nucleotide variant.
Coding change: c.2506C>T on transcript NM_001211.6 (MANE Select); coding-DNA position 2506, C replaced by T.
Protein change: p.His836Tyr; replaces histidine 836 with tyrosine.
Molecular consequence: missense variant.
Genome position (GRCh38, 1-based): chr15:40,212,619, C>T. VCF-style: chr15-40212619-C-T. GRCh37 (hg19) VCF-style: chr15-40504820-C-T.
Other names: short protein forms H836Y.
Identifiers: ClinVar variation 1051106 (VCV001051106.9), dbSNP rs546607638, ClinGen allele CA7476056.

ClinVar aggregate classification (germline): Uncertain significance (1 of 4 stars; one submission).

Conditions:
Mosaic variegated aneuploidy syndrome 1 (MVA1). Also called: Warburton-Anyane-Yeboa syndrome. Identifiers: Orphanet 1052, MedGen C1850343, MONDO:0009759, OMIM 257300.

Allele frequency attached by ClinVar (database versions not stated): gnomAD exomes below 0.00001 and 0.00001; gnomAD 0.00001; ExAC 0.00002; 1000 Genomes Project 30x 0.00031; 1000 Genomes Project 0.00040.
gnomAD v4.1: 7 of 1,613,464 alleles (0.00043%); highest among the groups gnomAD compares: South Asian, 0.0044%; no homozygotes.

Submission:

Labcorp Genetics (formerly Invitae), Labcorp
Classification: Uncertain significance for Mosaic variegated aneuploidy syndrome 1. Last evaluated: 2020-05-25. Review status: criteria provided, single submitter. Criteria: Invitae Variant Classification Sherloc (09022015). Collection method: clinical testing. Allele origin: germline.
Comment: This variant is present in population databases (rs546607638, ExAC 0.01%). This variant has not been reported in the literature in individuals with BUB1B-related conditions. Algorithms developed to predict the effect of missense changes on protein structure and function output the following: SIFT: "Tolerated"; PolyPhen-2: "Benign"; Align-GVGD: "Class C0". The tyrosine amino acid residue is found in multiple mammalian species, suggesting that this missense change does not adversely affect protein function. These predictions have not been confirmed by published functional studies and their clinical significance is uncertain. In summary, the available evidence is currently insufficient to determine the role of this variant in disease. Therefore, it has been classified as a Variant of Uncertain Significance. This sequence change replaces histidine with tyrosine at codon 836 of the BUB1B protein (p.His836Tyr). The histidine residue is weakly conserved and there is a moderate physicochemical difference between histidine and tyrosine.